The following is an entry in ClinVar:

ClinVar aggregate classification (germline): Likely benign (0 of 4 stars; one submission).

Conditions:
SEMA3D-related disorder. Also called: SEMA3D-related condition.

Allele frequency attached by ClinVar (database versions not stated): ExAC 0.00002; gnomAD 0.00005; TOPMed 0.00005.
gnomAD v4.1: 216 of 1,613,924 alleles (0.013%); highest among the groups gnomAD compares: Non-Finnish European, 0.017%; no homozygotes.

Submission:

PreventionGenetics, part of Exact Sciences
Classification: Likely benign for SEMA3D-related condition. Last evaluated: 2022-11-04. Review status: no assertion criteria provided. Collection method: clinical testing. Allele origin: germline.
Comment: This variant is classified as likely benign based on ACMG/AMP sequence variant interpretation guidelines (Richards et al. 2015 PMID: 25741868, with internal and published modifications).

NM_001384900.1(SEMA3D):c.2193C>T (p.Cys731=)

Genes: SEMA3D (semaphorin 3D; minus strand), LOC126860094 (BRD4-independent group 4 enhancer GRCh37_chr7:84628763-84629962; plus strand). Cytogenetic location: 7q21.11.
Variant type: single nucleotide variant.
Coding change: c.2193C>T on transcript NM_001384900.1 (MANE Select); coding-DNA position 2193, C replaced by T.
Protein change: p.Cys731=; no amino-acid change (cysteine 731 retained).
Molecular consequence: synonymous variant.
Genome position (GRCh38, 1-based): chr7:84,999,581, G>A on the plus strand (C>T on the coding strand, the complement: SEMA3D is on the minus strand). VCF-style: chr7-84999581-G-A. GRCh37 (hg19) VCF-style: chr7-84628897-G-A.
Other names: c.2193C>T, p.Cys731= (NM_001384901.1, NM_001384902.1, NM_001384903.1 and 1 more transcripts).
Identifiers: ClinVar variation 3030163 (VCV003030163.2), dbSNP rs763661874, ClinGen allele CA4323194.